The following is an entry in ClinVar:

NM_001846.4(COL4A2):c.4755C>G (p.Pro1585=)

Genes: COL4A2 (collagen type IV alpha 2 chain; plus strand), COL4A2-AS1 (COL4A2 antisense RNA 1; minus strand). Cytogenetic location: 13q34.
Variant type: single nucleotide variant.
Coding change: c.4755C>G on transcript NM_001846.4 (MANE Select); coding-DNA position 4755, C replaced by G.
Protein change: p.Pro1585=; no amino-acid change (proline 1585 retained).
Molecular consequence: synonymous variant.
Genome position (GRCh38, 1-based): chr13:110,508,095, C>G. VCF-style: chr13-110508095-C-G. GRCh37 (hg19) VCF-style: chr13-111160442-C-G.
Other names: c.4755C>G (NM_001846.3).
Identifiers: ClinVar variation 2986939 (VCV002986939.5), dbSNP rs2502217691, ClinGen allele CA484801470.

ClinVar aggregate classification (germline): Likely benign. Review status: criteria provided, single submitter (1 of 4 stars). 2 submissions from 2 submitters: Likely benign (1). 1 of the submissions does not count toward it. Last evaluated 2023-09-21.

Conditions:
COL4A2-related disorder. Also called: COL4A2-related disorders; COL4A2-related condition.

Submissions (2):

Labcorp Genetics (formerly Invitae), Labcorp
Classification: Likely benign. Last evaluated: 2023-09-21. Review status: criteria provided, single submitter. Criteria: Invitae Variant Classification Sherloc (09022015). Collection method: clinical testing. Allele origin: germline.

PreventionGenetics, part of Exact Sciences
Classification: Likely benign for COL4A2-related condition. Last evaluated: 2021-09-03. Review status: no assertion criteria provided. Collection method: clinical testing. Allele origin: germline. Not counted in ClinVar's aggregate classification.
Comment: This variant is classified as likely benign based on ACMG/AMP sequence variant interpretation guidelines (Richards et al. 2015 PMID: 25741868, with internal and published modifications).